The following is an entry in ClinVar:

NM_001312673.2(PCYT1A):c.223C>T (p.Arg75Ter)

Gene: PCYT1A (phosphate cytidylyltransferase 1A, choline; minus strand). Cytogenetic location: 3q29.
Variant type: single nucleotide variant.
Coding change: c.223C>T on transcript NM_001312673.2 (MANE Select); coding-DNA position 223, C replaced by T.
Protein change: p.Arg75Ter; replaces arginine 75 with a stop codon.
Molecular consequence: nonsense.
Genome position (GRCh38, 1-based): chr3:196,248,318, G>A on the plus strand (C>T on the coding strand, the complement: PCYT1A is on the minus strand). VCF-style: chr3-196248318-G-A. GRCh37 (hg19) VCF-style: chr3-195975189-G-A.
Other names: c.223C>T, p.Arg75Ter (NM_005017.4); short protein forms R75*.
Identifiers: ClinVar variation 1069192 (VCV001069192.6), dbSNP rs1285004802, ClinGen allele CA355588250.

ClinVar aggregate classification (germline): Pathogenic. Review status: criteria provided, multiple submitters, no conflicts (2 of 4 stars). 2 submissions from 2 submitters: Pathogenic (2). Last evaluated 2025-09-10.

Conditions:
Spondylometaphyseal dysplasia-cone-rod dystrophy syndrome. Identifiers: Orphanet 85167, MedGen C1837073, MONDO:0012160, OMIM 608940.

Submissions (2):

Genomic Medicine Center of Excellence, King Faisal Specialist Hospital and Research Centre
Classification: Pathogenic for Spondylometaphyseal dysplasia-cone-rod dystrophy syndrome. Last evaluated: 2025-09-10. Review status: criteria provided, single submitter. Criteria: ACMG Guidelines, 2015. Collection method: clinical testing. Allele origin: germline.

Labcorp Genetics (formerly Invitae), Labcorp
Classification: Pathogenic. Last evaluated: 2020-02-10. Review status: criteria provided, single submitter. Criteria: Invitae Variant Classification Sherloc (09022015). Collection method: clinical testing. Allele origin: germline.
Comment: This sequence change creates a premature translational stop signal (p.Arg75*) in the PCYT1A gene. It is expected to result in an absent or disrupted protein product. This variant is not present in population databases (ExAC no frequency). This variant has not been reported in the literature in individuals with PCYT1A-related disease. Loss-of-function variants in PCYT1A are known to be pathogenic (PMID: 24387990, 24889630). For these reasons, this variant has been classified as Pathogenic.

Literature cited by the submitters: PubMed 24387990 (cited by Labcorp Genetics (formerly Invitae), Labcorp); PubMed 24889630 (cited by Labcorp Genetics (formerly Invitae), Labcorp).